The following is an entry in ClinVar:

ClinVar aggregate classification (germline): Uncertain significance (1 of 4 stars; one submission).

Submission:

Quest Diagnostics Nichols Institute San Juan Capistrano
Classification: Uncertain significance. Last evaluated: 2025-03-11. Review status: criteria provided, single submitter. Criteria: Quest Diagnostics criteria. Collection method: clinical testing. Allele origin: unknown.
Comment: The BLM c.2075-3C>G variant has not been reported in individuals with BLM-related conditions in the published literature. It also has not been reported in large, multi-ethnic general populations (Genome Aggregation Database). Analysis of this variant using software algorithms for the prediction of the effect of nucleotide changes on splicing yielded predictions that this variant may affect proper BLM mRNA splicing. Based on the available information, we are unable to determine the clinical significance of this variant.

NM_000057.4(BLM):c.2075-3C>G

Gene: BLM (BLM RecQ like helicase; plus strand). Cytogenetic location: 15q26.1.
Variant type: single nucleotide variant.
Coding change: c.2075-3C>G on transcript NM_000057.4 (MANE Select); 3 bases into the intron before coding-DNA position 2075, C replaced by G.
Molecular consequence: intron variant.
Genome position (GRCh38, 1-based): chr15:90,765,293, C>G. VCF-style: chr15-90765293-C-G. GRCh37 (hg19) VCF-style: chr15-91308523-C-G.
Other names: c.2075-3C>G (NM_001287246.2, NM_001287247.2); c.950-3C>G (NM_001287248.2).
Identifiers: ClinVar variation 4533125 (VCV004533125.1).